The following is an entry in ClinVar:

NM_003200.5(TCF3):c.1382A>G (p.Asn461Ser)

Gene: TCF3 (transcription factor 3; minus strand). Cytogenetic location: 19p13.3.
Variant type: single nucleotide variant.
Coding change: c.1382A>G on transcript NM_003200.5 (MANE Select); coding-DNA position 1382, A replaced by G.
Protein change: p.Asn461Ser; replaces asparagine 461 with serine.
Molecular consequence: missense variant.
Genome position (GRCh38, 1-based): chr19:1,619,179, T>C on the plus strand (A>G on the coding strand, the complement: TCF3 is on the minus strand). VCF-style: chr19-1619179-T-C. GRCh37 (hg19) VCF-style: chr19-1619178-T-C.
Other names: c.1382A>G, p.Asn461Ser (NM_001136139.4, NM_001351779.2); c.1379A>G, p.Asn460Ser (NM_001351778.2); short protein forms N460S, N461S.
Identifiers: ClinVar variation 2414968 (VCV002414968.6), dbSNP rs1024231524, ClinGen allele CA304101648.

ClinVar aggregate classification (germline): Uncertain significance (1 of 4 stars; one submission).

Allele frequency attached by ClinVar (database versions not stated): gnomAD exomes 0.00002.
gnomAD v4.1: 26 of 1,600,400 alleles (0.0016%); highest among the groups gnomAD compares: Non-Finnish European, 0.0021%; no homozygotes.

Submission:

Labcorp Genetics (formerly Invitae), Labcorp
Classification: Uncertain significance. Last evaluated: 2025-05-19. Review status: criteria provided, single submitter. Criteria: Invitae Variant Classification Sherloc (09022015). Collection method: clinical testing. Allele origin: germline.
Comment: This sequence change replaces asparagine, which is neutral and polar, with serine, which is neutral and polar, at codon 461 of the TCF3 protein (p.Asn461Ser). This variant is not present in population databases (gnomAD no frequency). This variant has not been reported in the literature in individuals affected with TCF3-related conditions. ClinVar contains an entry for this variant (Variation ID: 2414968). Invitae Evidence Modeling of protein sequence and biophysical properties (such as structural, functional, and spatial information, amino acid conservation, physicochemical variation, residue mobility, and thermodynamic stability) indicates that this missense variant is not expected to disrupt TCF3 protein function with a negative predictive value of 80%. In summary, the available evidence is currently insufficient to determine the role of this variant in disease. Therefore, it has been classified as a Variant of Uncertain Significance.